The following is an entry in ClinVar:

ClinVar aggregate classification (germline): Conflicting classifications of pathogenicity. Review status: criteria provided, conflicting classifications (1 of 4 stars). 2 submissions from 2 submitters: Likely pathogenic (1); Uncertain significance (1). Last evaluated 2025-03-05.

Conditions:
Dystonia 5 (DRD). Also called: DYT-GCH1; Dystonia, DOPA-responsive, with or without hyperphenylalaninemia; GTP Cyclohydrolase 1-Deficient Dopa-Responsive Dystonia; DYSTONIA, PROGRESSIVE, WITH DIURNAL VARIATION; DYSTONIA-PARKINSONISM WITH DIURNAL FLUCTUATION. Identifiers: Orphanet 98808, MedGen C1851920, MONDO:0007495, OMIM 128230.
GTP cyclohydrolase I deficiency. Identifiers: MedGen C0268467, MONDO:0100184.

Allele frequency attached by ClinVar (database versions not stated): gnomAD exomes below 0.00001; ExAC 0.00001.
gnomAD v4.1: 4 of 1,590,204 alleles (0.00025%); highest among the groups gnomAD compares: South Asian, 0.0044%; no homozygotes.

Submissions (2):

Genetics and Genomic Medicine Centre, NeuroGen Healthcare, NeuroGen Healthcare
Classification: Likely pathogenic for Dystonia 5. Last evaluated: 2025-03-05. Review status: criteria provided, single submitter. Criteria: ACMG Guidelines, 2015. Collection method: clinical testing. Allele origin: unknown. Affected: yes.

Labcorp Genetics (formerly Invitae), Labcorp
Classification: Uncertain significance for GTP cyclohydrolase I deficiency; Dystonia 5. Last evaluated: 2020-03-24. Review status: criteria provided, single submitter. Criteria: Invitae Variant Classification Sherloc (09022015). Collection method: clinical testing. Allele origin: germline.
Comment: This variant has been observed in individual(s) with features of autosomal recessive GCH1-related conditions (PMID: 18276179, Invitae). It has also been observed to segregate with disease in related individuals. This variant is present in population databases (rs773159175, ExAC 0.006%). In summary, the available evidence is currently insufficient to determine the role of this variant in disease. Therefore, it has been classified as a Variant of Uncertain Significance. Algorithms developed to predict the effect of missense changes on protein structure and function (SIFT, PolyPhen-2, Align-GVGD) all suggest that this variant is likely to be disruptive, but these predictions have not been confirmed by published functional studies and their clinical significance is uncertain. This sequence change replaces valine with alanine at codon 206 of the GCH1 protein (p.Val206Ala). The valine residue is weakly conserved and there is a small physicochemical difference between valine and alanine.

Literature cited by the submitters: PubMed 18276179 (cited by Labcorp Genetics (formerly Invitae), Labcorp).

NM_000161.3(GCH1):c.617T>C (p.Val206Ala)

Gene: GCH1 (GTP cyclohydrolase 1; minus strand). Cytogenetic location: 14q22.2.
Variant type: single nucleotide variant.
Coding change: c.617T>C on transcript NM_000161.3 (MANE Select); coding-DNA position 617, T replaced by C.
Protein change: p.Val206Ala; replaces valine 206 with alanine.
Molecular consequence: missense variant.
Genome position (GRCh38, 1-based): chr14:54,845,777, A>G on the plus strand (T>C on the coding strand, the complement: GCH1 is on the minus strand). VCF-style: chr14-54845777-A-G. GRCh37 (hg19) VCF-style: chr14-55312495-A-G.
Other names: c.617T>C, p.Val206Ala (NM_001024024.2, NM_001024070.2, NM_001024071.2); short protein forms V206A.
Identifiers: ClinVar variation 1005253 (VCV001005253.9), dbSNP rs773159175, ClinGen allele CA7193527.